The following is an entry in ClinVar:

NM_002850.4(PTPRS):c.3321C>T (p.Gly1107=)

Gene: PTPRS (protein tyrosine phosphatase receptor type S; minus strand). Cytogenetic location: 19p13.3.
Variant type: single nucleotide variant.
Coding change: c.3321C>T on transcript NM_002850.4 (MANE Select); coding-DNA position 3321, C replaced by T.
Protein change: p.Gly1107=; no amino-acid change (glycine 1107 retained).
Molecular consequence: synonymous variant.
Genome position (GRCh38, 1-based): chr19:5,221,134, G>A on the plus strand (C>T on the coding strand, the complement: PTPRS is on the minus strand). VCF-style: chr19-5221134-G-A. GRCh37 (hg19) VCF-style: chr19-5221145-G-A.
Other names: c.2028C>T, p.Gly676= (NM_130853.3); c.3255C>T, p.Gly1085= (NM_130854.3); c.2040C>T, p.Gly680= (NM_130855.3).
Identifiers: ClinVar variation 719413 (VCV000719413.6), dbSNP rs61729761, ClinGen allele CA9109610.

ClinVar aggregate classification (germline): Likely benign. Review status: criteria provided, multiple submitters, no conflicts (2 of 4 stars). 3 submissions from 3 submitters: Likely benign (2). 1 of the submissions does not count toward it. Last evaluated 2018-03-02.

Conditions:
PTPRS-related disorder. Also called: PTPRS-related condition.

Allele frequency attached by ClinVar (database versions not stated): 1000 Genomes Project 30x 0.00016; 1000 Genomes Project 0.00020; ESP Exome Variant Server 0.00031; gnomAD 0.00034 and 0.00036; TOPMed 0.00035; gnomAD exomes 0.00041 and 0.00058; ExAC 0.00045.
gnomAD v4.1: 891 of 1,614,028 alleles (0.055%); highest among the groups gnomAD compares: East Asian, 0.36%; no homozygotes.

Submissions (3):

Labcorp Genetics (formerly Invitae), Labcorp
Classification: Likely benign. Last evaluated: 2018-03-02. Review status: criteria provided, single submitter. Criteria: Invitae Variant Classification Sherloc (09022015). Collection method: clinical testing. Allele origin: germline.

Breakthrough Genomics
Classification: Likely benign. Review status: criteria provided, single submitter. Criteria: ACMG Guidelines, 2015. Collection method: not provided. Allele origin: germline. Inheritance: Unknown mechanism. Affected: yes.

PreventionGenetics, part of Exact Sciences
Classification: Likely benign for PTPRS-related condition. Last evaluated: 2022-08-08. Review status: no assertion criteria provided. Collection method: clinical testing. Allele origin: germline. Not counted in ClinVar's aggregate classification.
Comment: This variant is classified as likely benign based on ACMG/AMP sequence variant interpretation guidelines (Richards et al. 2015 PMID: 25741868, with internal and published modifications).